The following is an entry in ClinVar:

ClinVar aggregate classification (germline): Uncertain significance (1 of 4 stars; one submission).

Conditions:
LEPR-related disorder. Also called: LEPR-related condition; LEPR-related disorders.

Allele frequency attached by ClinVar (database versions not stated): gnomAD exomes 0.00008; TOPMed 0.00008; gnomAD 0.00009.
gnomAD v4.1: 23 of 275,992 alleles (0.0083%); highest among the groups gnomAD compares: Non-Finnish European, 0.014%; no homozygotes.

Submission:

PreventionGenetics, part of Exact Sciences
Classification: Uncertain significance for LEPR-related condition. Last evaluated: 2026-06-26. Review status: criteria provided, single submitter. Criteria: ACMG Guidelines, 2015. Collection method: clinical testing. Allele origin: germline.
Comment: The LEPR c.2771A>G variant is predicted to result in the amino acid substitution p.His924Arg. Of note, in the canonical transcript (NM_002303.6) this variant is intronic (c.2674-5892A>G); however, in an alternate transcript (NM_001198687.2) this variant is missense, c.2771A>G,p.(His924Arg). To our knowledge, this variant has not been reported in the literature. This variant is reported in 0.013% of alleles in individuals of European (Non-Finnish) descent in gnomAD. At this time, the clinical significance of this variant is uncertain due to the absence of conclusive functional and genetic evidence.

NM_002303.6(LEPR):c.2674-5892A>G

Gene: LEPR (leptin receptor; plus strand). Cytogenetic location: 1p31.3.
Variant type: single nucleotide variant.
Coding change: c.2674-5892A>G on transcript NM_002303.6 (MANE Select); 5892 bases into the intron before coding-DNA position 2674, A replaced by G.
Molecular consequence: intron variant. On other transcripts: missense variant (2).
Genome position (GRCh38, 1-based): chr1:65,630,299, A>G. VCF-style: chr1-65630299-A-G. GRCh37 (hg19) VCF-style: chr1-66095982-A-G.
Other names: c.2771A>G, p.His924Arg (NM_001003680.3, NM_001198687.2); c.2674-2853A>G (NM_001003679.3, NM_001198689.2); short protein forms H924R.
Identifiers: ClinVar variation 2631893 (VCV002631893.3), dbSNP rs907658951, ClinGen allele CA23928939.